The following is an entry in ClinVar:

ClinVar aggregate classification (germline): Likely benign (0 of 4 stars; one submission).

Conditions:
KALRN-related disorder. Also called: KALRN-related condition.

Allele frequency attached by ClinVar (database versions not stated): ExAC 0.00089; gnomAD 0.00105; TOPMed 0.00107; ESP Exome Variant Server 0.00131.
gnomAD v4.1: 2,357 of 1,614,246 alleles (0.15%); highest among the groups gnomAD compares: Non-Finnish European, 0.19%; 5 homozygotes.

Submission:

PreventionGenetics, part of Exact Sciences
Classification: Likely benign for KALRN-related condition. Last evaluated: 2019-04-15. Review status: no assertion criteria provided. Collection method: clinical testing. Allele origin: germline.
Comment: This variant is classified as likely benign based on ACMG/AMP sequence variant interpretation guidelines (Richards et al. 2015 PMID: 25741868, with internal and published modifications).

NM_001388419.1(KALRN):c.2967C>T (p.His989=)

Gene: KALRN (kalirin RhoGEF kinase; plus strand). Cytogenetic location: 3q21.2.
Variant type: single nucleotide variant.
Coding change: c.2967C>T on transcript NM_001388419.1 (MANE Select); coding-DNA position 2967, C replaced by T.
Protein change: p.His989=; no amino-acid change (histidine 989 retained).
Molecular consequence: synonymous variant. On other transcripts: non-coding transcript variant (2).
Genome position (GRCh38, 1-based): chr3:124,434,444, C>T. VCF-style: chr3-124434444-C-T. GRCh37 (hg19) VCF-style: chr3-124153291-C-T.
Other names: c.2961C>T, p.His987= (NM_001024660.5, NM_001322988.2, NM_001322992.2 and 1 more transcripts); c.2934C>T, p.His978= (NM_001322989.2); c.2922C>T, p.His974= (NM_001322990.2); c.2895C>T, p.His965= (NM_001322991.2); c.1038C>T, p.His346= (NM_001388412.1, NM_001388413.1); c.1011C>T, p.His337= (NM_001388414.1); c.999C>T, p.His333= (NM_001388415.1); c.972C>T, p.His324= (NM_001388416.1); and 2 more.
Identifiers: ClinVar variation 3036248 (VCV003036248.2), dbSNP rs144113221, ClinGen allele CA2579651.